The following is an entry in ClinVar:

ClinVar aggregate classification (germline): Uncertain significance (0 of 4 stars; one submission).

Conditions:
NRP1-related disorder. Also called: NRP1-related condition.

gnomAD v4.1: 11 of 1,613,280 alleles (0.00068%); highest among the groups gnomAD compares: Non-Finnish European, 0.00068%; no homozygotes.

Submission:

PreventionGenetics, part of Exact Sciences
Classification: Uncertain significance for NRP1-related condition. Last evaluated: 2024-01-04. Review status: no assertion criteria provided. Collection method: clinical testing. Allele origin: germline.
Comment: The NRP1 c.1162A>T variant is predicted to result in the amino acid substitution p.Thr388Ser. To our knowledge, this variant has not been reported in the literature. This variant is reported in 0.0035% of alleles in individuals of European (Non-Finnish) descent in gnomAD. At this time, the clinical significance of this variant is uncertain due to the absence of conclusive functional and genetic evidence.

NM_003873.7(NRP1):c.1162A>T (p.Thr388Ser)

Gene: NRP1 (neuropilin 1; minus strand). Cytogenetic location: 10p11.22.
Variant type: single nucleotide variant.
Coding change: c.1162A>T on transcript NM_003873.7 (MANE Select); coding-DNA position 1162, A replaced by T.
Protein change: p.Thr388Ser; replaces threonine 388 with serine.
Molecular consequence: missense variant. On other transcripts: non-coding transcript variant (1).
Genome position (GRCh38, 1-based): chr10:33,221,839, T>A on the plus strand (A>T on the coding strand, the complement: NRP1 is on the minus strand). VCF-style: chr10-33221839-T-A. GRCh37 (hg19) VCF-style: chr10-33510767-T-A.
Other names: c.1162A>T, p.Thr388Ser (NM_001024628.3, NM_001024629.3, NM_001244972.2 and 2 more transcripts); short protein forms T388S.
Identifiers: ClinVar variation 3354032 (VCV003354032.1).